The following is an entry in ClinVar:

NM_000075.4(CDK4):c.286G>A (p.Val96Ile)

Gene: CDK4 (cyclin dependent kinase 4; minus strand). Cytogenetic location: 12q14.1.
Variant type: single nucleotide variant.
Coding change: c.286G>A on transcript NM_000075.4 (MANE Select); coding-DNA position 286, G replaced by A.
Protein change: p.Val96Ile; replaces valine 96 with isoleucine.
Molecular consequence: missense variant.
Genome position (GRCh38, 1-based): chr12:57,751,275, C>T on the plus strand (G>A on the coding strand, the complement: CDK4 is on the minus strand). VCF-style: chr12-57751275-C-T. GRCh37 (hg19) VCF-style: chr12-58145058-C-T.
Other names: short protein forms V96I.
Identifiers: ClinVar variation 4633152 (VCV004633152.2).

ClinVar aggregate classification (germline): Conflicting classifications of pathogenicity. Review status: criteria provided, conflicting classifications (1 of 4 stars). 2 submissions from 2 submitters: Uncertain significance (1); Likely benign (1). Last evaluated 2025-11-13.

Conditions:
Hereditary cancer-predisposing syndrome. Also called: Neoplastic Syndromes, Hereditary; Tumor predisposition; Hereditary Cancer Syndrome; Hereditary neoplastic syndrome. Identifiers: Orphanet 140162, MedGen C0027672, MeSH D009386, MONDO:0015356.
Familial melanoma. Also called: Hereditary melanoma; Hereditary cutaneous melanoma. Identifiers: Orphanet 618, MedGen C1512419, MONDO:0018961.

Submissions (2):

Ambry Genetics
Classification: Likely benign for Hereditary cancer-predisposing syndrome. Last evaluated: 2025-11-13. Review status: criteria provided, single submitter. Criteria: Ambry Variant Classification Scheme 2023. Collection method: clinical testing. Allele origin: germline.

Labcorp Genetics (formerly Invitae), Labcorp
Classification: Uncertain significance for Familial melanoma. Last evaluated: 2025-09-27. Review status: criteria provided, single submitter. Criteria: Invitae Variant Classification Sherloc (09022015). Collection method: clinical testing. Allele origin: germline.
Comment: This sequence change replaces valine, which is neutral and non-polar, with isoleucine, which is neutral and non-polar, at codon 96 of the CDK4 protein (p.Val96Ile). This variant is not present in population databases (gnomAD no frequency). This variant has not been reported in the literature in individuals affected with CDK4-related conditions. An algorithm developed to predict the effect of missense changes on protein structure and function outputs the following: PolyPhen-2: "Benign". The isoleucine amino acid residue is found in multiple mammalian species, which suggests that this missense change does not adversely affect protein function. In summary, the available evidence is currently insufficient to determine the role of this variant in disease. Therefore, it has been classified as a Variant of Uncertain Significance.